The following is an entry in ClinVar:

NM_198252.3(GSN):c.780C>T (p.Ser260=)

Gene: GSN (gelsolin; plus strand). Cytogenetic location: 9q33.2.
Variant type: single nucleotide variant.
Coding change: c.780C>T on transcript NM_198252.3 (MANE Select); coding-DNA position 780, C replaced by T.
Protein change: p.Ser260=; no amino-acid change (serine 260 retained).
Molecular consequence: synonymous variant.
Genome position (GRCh38, 1-based): chr9:121,317,112, C>T. VCF-style: chr9-121317112-C-T. GRCh37 (hg19) VCF-style: chr9-124079390-C-T.
Other names: c.780C>T, p.Ser260= (NM_001353059.2, NM_001353060.2, NM_001353061.2 and 10 more transcripts); c.813C>T, p.Ser271= (NM_001353063.2, NM_001353064.2, NM_001353065.2 and 13 more transcripts); c.852C>T, p.Ser284= (NM_001353076.2); c.126C>T, p.Ser42= (NM_001353078.2); c.933C>T (NM_000177.4); c.933C>T, p.Ser311= (NM_000177.5); c.888C>T, p.Ser296= (NM_001127663.2); c.831C>T, p.Ser277= (NM_001258029.2); and 1 more.
Identifiers: ClinVar variation 4695422 (VCV004695422.2).
Genomic context (GRCh38, chr9:121,317,112, plus strand): 5'-TCATGTGCTGGTTCCTTCTGCTTCGTCCCCTCAGGTCTCCAATGGTGCAGGGACCATGTC[C>T]GTCTCCCTCGTGGCTGATGAGAACCCCTTCGCCCAGGGGGCCCTGAAGTCAGAGGACTGC-3'
Protein context (NP_937895.1, residues 250-270): YKVSNGAGTM[Ser260=]VSLVADENPF

ClinVar aggregate classification (germline): Likely benign. Review status: criteria provided, multiple submitters, no conflicts (2 of 4 stars). 2 submissions from 2 submitters: Likely benign (2). Last evaluated 2026-03-25.

Conditions:
GSN-related disorder. Also called: GSN-related condition.

gnomAD v4.1: 24 of 1,614,126 alleles (0.0015%); highest among the groups gnomAD compares: African/African-American, 0.0067%; no homozygotes.

Submissions (2):

PreventionGenetics, part of Exact Sciences
Classification: Likely benign for GSN-related condition. Last evaluated: 2026-03-25. Review status: criteria provided, single submitter. Criteria: ACMG Guidelines, 2015. Collection method: clinical testing. Allele origin: germline.
Comment: This variant is classified as likely benign based on ACMG/AMP sequence variant interpretation guidelines (Richards et al. 2015 PMID: 25741868, with internal and published modifications).

Labcorp Genetics (formerly Invitae), Labcorp
Classification: Likely benign. Last evaluated: 2025-06-08. Review status: criteria provided, single submitter. Criteria: Invitae Variant Classification Sherloc (09022015). Collection method: clinical testing. Allele origin: germline.